The following is an entry in ClinVar:

NM_000051.4(ATM):c.2762C>A (p.Ala921Asp)

Gene: ATM (ATM serine/threonine kinase; plus strand). Cytogenetic location: 11q22.3.
Variant type: single nucleotide variant.
Coding change: c.2762C>A on transcript NM_000051.4 (MANE Select); coding-DNA position 2762, C replaced by A.
Protein change: p.Ala921Asp; replaces alanine 921 with aspartic acid.
Molecular consequence: missense variant.
Genome position (GRCh38, 1-based): chr11:108,268,533, C>A. VCF-style: chr11-108268533-C-A. GRCh37 (hg19) VCF-style: chr11-108139260-C-A.
Other names: c.2762C>A, p.Ala921Asp (NM_001351834.2); short protein forms A921D.
Identifiers: ClinVar variation 490491 (VCV000490491.6), dbSNP rs1555083332, ClinGen allele CA382545483.
Genomic context (GRCh38, chr11:108,268,533, plus strand): 5'-TCAAGTTCTTGTGTTTGTGTGTAACTACTGCTCAGACCAATACTGTGTCCTTTAGGGCAG[C>A]TGATATTCGGAGGAAATTGTTAATGTTAATTGATTCTAGCACGCTAGAACCTACCAAATC-3'
Protein context (NP_000042.3, residues 911-931): AQTNTVSFRA[Ala921Asp]DIRRKLLMLI

ClinVar aggregate classification (germline): Uncertain significance (1 of 4 stars; one submission).

Conditions:
Hereditary cancer-predisposing syndrome. Also called: Hereditary Cancer Syndrome; Neoplastic Syndromes, Hereditary; Tumor predisposition; Hereditary neoplastic syndrome. Identifiers: Orphanet 140162, MedGen C0027672, MeSH D009386, MONDO:0015356.

Submission:

Color Diagnostics, LLC DBA Color Health
Classification: Uncertain significance for Hereditary cancer-predisposing syndrome. Last evaluated: 2023-12-05. Review status: criteria provided, single submitter. Criteria: ACMG Guidelines, 2015. Collection method: clinical testing. Allele origin: germline.
Comment: This missense variant replaces alanine with aspartic acid at codon 921 of the ATM protein. Computational prediction suggests that this variant may not impact protein structure and function (internally defined REVEL score threshold <= 0.5, PMID: 27666373). To our knowledge, functional studies have not been reported for this variant. This variant has not been reported in individuals affected with ATM-related disorders in the literature. This variant has not been identified in the general population by the Genome Aggregation Database (gnomAD). The available evidence is insufficient to determine the role of this variant in disease conclusively. Therefore, this variant is classified as a Variant of Uncertain Significance.